The following is an entry in ClinVar:

NM_006950.3(SYN1):c.1834C>T (p.Arg612Cys)

Gene: SYN1 (synapsin I; minus strand). Cytogenetic location: Xp11.3.
Variant type: single nucleotide variant.
Coding change: c.1834C>T on transcript NM_006950.3 (MANE Select); coding-DNA position 1834, C replaced by T.
Protein change: p.Arg612Cys; replaces arginine 612 with cysteine.
Molecular consequence: missense variant.
Genome position (GRCh38, 1-based): chrX:47,574,150, G>A on the plus strand (C>T on the coding strand, the complement: SYN1 is on the minus strand). VCF-style: chrX-47574150-G-A. GRCh37 (hg19) VCF-style: chrX-47433549-G-A.
Other names: c.1834C>T, p.Arg612Cys (NM_133499.2); short protein forms R612C.
Identifiers: ClinVar variation 3631638 (VCV003631638.2).

ClinVar aggregate classification (germline): Uncertain significance (1 of 4 stars; one submission).

Conditions:
Epilepsy, X-linked 1, with variable learning disabilities and behavior disorders. Also called: X-linked epilepsy-learning disabilities-behavior disorders syndrome. Identifiers: Orphanet 85294, MedGen C5774177, MONDO:0010339, OMIM 300491.

Submission:

Labcorp Genetics (formerly Invitae), Labcorp
Classification: Uncertain significance for Epilepsy, X-linked 1, with variable learning disabilities and behavior disorders. Last evaluated: 2024-08-31. Review status: criteria provided, single submitter. Criteria: Invitae Variant Classification Sherloc (09022015). Collection method: clinical testing. Allele origin: germline.
Comment: This sequence change replaces arginine, which is basic and polar, with cysteine, which is neutral and slightly polar, at codon 612 of the SYN1 protein (p.Arg612Cys). The frequency data for this variant in the population databases is considered unreliable, as metrics indicate insufficient coverage at this position in the gnomAD database. This variant has not been reported in the literature in individuals affected with SYN1-related conditions. Experimental studies and prediction algorithms are not available or were not evaluated, and the functional significance of this variant is currently unknown. In summary, the available evidence is currently insufficient to determine the role of this variant in disease. Therefore, it has been classified as a Variant of Uncertain Significance.